The following is an entry in ClinVar:

NM_152383.5(DIS3L2):c.926A>G (p.Lys309Arg)

Gene: DIS3L2 (DIS3 like 3'-5' exoribonuclease 2; plus strand). Cytogenetic location: 2q37.1.
Variant type: single nucleotide variant.
Coding change: c.926A>G on transcript NM_152383.5 (MANE Select); coding-DNA position 926, A replaced by G.
Protein change: p.Lys309Arg; replaces lysine 309 with arginine.
Molecular consequence: missense variant. On other transcripts: non-coding transcript variant (1).
Genome position (GRCh38, 1-based): chr2:232,136,695, A>G. VCF-style: chr2-232136695-A-G. GRCh37 (hg19) VCF-style: chr2-233001405-A-G.
Other names: c.926A>G, p.Lys309Arg (NM_001257281.2); short protein forms K309R.
Identifiers: ClinVar variation 937752 (VCV000937752.9), dbSNP rs1698368476, ClinGen allele CA351153895.

ClinVar aggregate classification (germline): Uncertain significance (1 of 4 stars; one submission).

Conditions:
Perlman syndrome (PRLMNS). Identifiers: Orphanet 2849, MedGen C0796113, MONDO:0009965, OMIM 267000.

Allele frequency attached by ClinVar (database versions not stated): gnomAD exomes below 0.00001.
gnomAD v4.1: 4 of 1,613,958 alleles (0.00025%); highest among the groups gnomAD compares: Non-Finnish European, 0.00025%; no homozygotes.

Submission:

Labcorp Genetics (formerly Invitae), Labcorp
Classification: Uncertain significance for Perlman syndrome. Last evaluated: 2023-09-19. Review status: criteria provided, single submitter. Criteria: Invitae Variant Classification Sherloc (09022015). Collection method: clinical testing. Allele origin: germline.
Comment: In summary, the available evidence is currently insufficient to determine the role of this variant in disease. Therefore, it has been classified as a Variant of Uncertain Significance. Advanced modeling of protein sequence and biophysical properties (such as structural, functional, and spatial information, amino acid conservation, physicochemical variation, residue mobility, and thermodynamic stability) performed at Invitae indicates that this missense variant is not expected to disrupt DIS3L2 protein function. ClinVar contains an entry for this variant (Variation ID: 937752). This variant has not been reported in the literature in individuals affected with DIS3L2-related conditions. This variant is not present in population databases (gnomAD no frequency). This sequence change replaces lysine, which is basic and polar, with arginine, which is basic and polar, at codon 309 of the DIS3L2 protein (p.Lys309Arg).